The following is an entry in ClinVar:

NM_001042492.3(NF1):c.4678T>C (p.Ser1560Pro)

Gene: NF1 (neurofibromin 1; plus strand). Cytogenetic location: 17q11.2.
Variant type: single nucleotide variant.
Coding change: c.4678T>C on transcript NM_001042492.3 (MANE Select); coding-DNA position 4678, T replaced by C.
Protein change: p.Ser1560Pro; replaces serine 1560 with proline.
Molecular consequence: missense variant.
Genome position (GRCh38, 1-based): chr17:31,261,811, T>C. VCF-style: chr17-31261811-T-C. GRCh37 (hg19) VCF-style: chr17-29588829-T-C.
Other names: c.4615T>C, p.Ser1539Pro (NM_000267.4); short protein forms S1539P, S1560P.
Identifiers: ClinVar variation 3237793 (VCV003237793.2), dbSNP rs2508430367.

ClinVar aggregate classification (germline): Uncertain significance. Review status: criteria provided, multiple submitters, no conflicts (2 of 4 stars). 2 submissions from 2 submitters: Uncertain significance (2). Last evaluated 2025-06-11.

Conditions:
Hereditary cancer-predisposing syndrome. Also called: Hereditary Cancer Syndrome; Tumor predisposition; Neoplastic Syndromes, Hereditary; Hereditary neoplastic syndrome. Identifiers: Orphanet 140162, MedGen C0027672, MeSH D009386, MONDO:0015356.
Cardiovascular phenotype. Identifiers: MedGen CN230736.
Neurofibromatosis, type 1 (NF1). Also called: VON RECKLINGHAUSEN DISEASE; Neurofibromatosis, type I; NEUROFIBROMATOSIS, TYPE I, SOMATIC; Peripheral type neurofibromatosis. Identifiers: Orphanet 636, MedGen C0027831, MONDO:0018975, OMIM 162200. Disease mechanism: loss of function.

Submissions (2):

Labcorp Genetics (formerly Invitae), Labcorp
Classification: Uncertain significance for Neurofibromatosis, type 1. Last evaluated: 2025-06-11. Review status: criteria provided, single submitter. Criteria: Invitae Variant Classification Sherloc (09022015). Collection method: clinical testing. Allele origin: germline.
Comment: This sequence change replaces serine, which is neutral and polar, with proline, which is neutral and non-polar, at codon 1539 of the NF1 protein (p.Ser1539Pro). This variant is not present in population databases (gnomAD no frequency). This variant has not been reported in the literature in individuals affected with NF1-related conditions. ClinVar contains an entry for this variant (Variation ID: 3237793). Invitae Evidence Modeling of protein sequence and biophysical properties (such as structural, functional, and spatial information, amino acid conservation, physicochemical variation, residue mobility, and thermodynamic stability) indicates that this missense variant is expected to disrupt NF1 protein function with a positive predictive value of 95%. In summary, the available evidence is currently insufficient to determine the role of this variant in disease. Therefore, it has been classified as a Variant of Uncertain Significance.

Ambry Genetics
Classification: Uncertain significance for Cardiovascular phenotype; Hereditary cancer-predisposing syndrome. Last evaluated: 2023-10-26. Review status: criteria provided, single submitter. Criteria: Ambry Variant Classification Scheme 2023. Collection method: clinical testing. Allele origin: germline.
Comment: The p.S1539P variant (also known as c.4615T>C), located in coding exon 34 of the NF1 gene, results from a T to C substitution at nucleotide position 4615. The serine at codon 1539 is replaced by proline, an amino acid with similar properties. This amino acid position is highly conserved in available vertebrate species. In addition, the in silico prediction for this alteration is inconclusive. Since supporting evidence is limited at this time, the clinical significance of this alteration remains unclear.